The following is an entry in ClinVar:

NM_000097.7(CPOX):c.1149G>A (p.Leu383=)

Gene: CPOX (coproporphyrinogen oxidase; minus strand). Cytogenetic location: 3q11.2.
Variant type: single nucleotide variant.
Coding change: c.1149G>A on transcript NM_000097.7 (MANE Select); coding-DNA position 1149, G replaced by A.
Protein change: p.Leu383=; no amino-acid change (leucine 383 retained).
Molecular consequence: synonymous variant.
Genome position (GRCh38, 1-based): chr3:98,585,464, C>T on the plus strand (G>A on the coding strand, the complement: CPOX is on the minus strand). VCF-style: chr3-98585464-C-T. GRCh37 (hg19) VCF-style: chr3-98304308-C-T.
Identifiers: ClinVar variation 901023 (VCV000901023.15), dbSNP rs533745033, ClinGen allele CA2511512.

ClinVar aggregate classification (germline): Benign/Likely benign. Review status: criteria provided, multiple submitters, no conflicts (2 of 4 stars). 5 submissions from 5 submitters: Benign (1); Likely benign (3). 1 of the submissions does not count toward it. Last evaluated 2025-04-09.

Conditions:
CPOX-related disorder. Also called: CPOX-related disorders; CPOX-related condition.
Hereditary coproporphyria (HCP). Also called: Hereditary coproporphyria porphyria; Porphyria hepatica coproporphyria; Porphyria hepatica II; CPRO deficiency; COPROPORPHYRINOGEN OXIDASE DEFICIENCY; CPO DEFICIENCY. Identifiers: Orphanet 79273, MedGen C0162531, MONDO:0007369, OMIM 121300.

Allele frequency attached by ClinVar (database versions not stated): gnomAD 0.00001 and 0.00005; TOPMed 0.00002; gnomAD exomes 0.00008 and 0.00023; 1000 Genomes Project 30x 0.00016; 1000 Genomes Project 0.00020; ExAC 0.00023.
gnomAD v4.1: 122 of 1,614,062 alleles (0.0076%); highest among the groups gnomAD compares: South Asian, 0.12%; 1 homozygote.

Submissions (5):

Labcorp Genetics (formerly Invitae), Labcorp
Classification: Likely benign. Last evaluated: 2025-04-09. Review status: criteria provided, single submitter. Criteria: Invitae Variant Classification Sherloc (09022015). Collection method: clinical testing. Allele origin: germline.

Blueprint Genetics
Classification: Likely benign. Last evaluated: 2022-07-21. Review status: criteria provided, single submitter. Criteria: ACMG Guidelines, 2015. Collection method: clinical testing. Allele origin: germline.

Illumina Laboratory Services, Illumina
Classification: Benign for Hereditary coproporphyria. Last evaluated: 2018-01-13. Review status: criteria provided, single submitter. Criteria: ICSL Variant Classification Criteria 13 December 2019. Collection method: clinical testing. Allele origin: germline.
Comment: This variant was observed in the ICSL laboratory as part of a predisposition screen in an ostensibly healthy population. It had not been previously curated by ICSL or reported in the Human Gene Mutation Database (HGMD: prior to June 1st, 2018), and was therefore a candidate for classification through an automated scoring system. Utilizing variant allele frequency, disease prevalence and penetrance estimates, and inheritance mode, an automated score was calculated to assess if this variant is too frequent to cause the disease. Based on the score and internal cut-off values, a variant classified as benign is not then subjected to further curation. The score for this variant resulted in a classification of benign for this disease.

Breakthrough Genomics
Classification: Likely benign. Review status: criteria provided, single submitter. Criteria: ACMG Guidelines, 2015. Collection method: not provided. Allele origin: germline. Inheritance: Autosomal recessive inheritance. Affected: yes.

PreventionGenetics, part of Exact Sciences
Classification: Likely benign for CPOX-related condition. Last evaluated: 2019-04-12. Review status: no assertion criteria provided. Collection method: clinical testing. Allele origin: germline. Not counted in ClinVar's aggregate classification.
Comment: This variant is classified as likely benign based on ACMG/AMP sequence variant interpretation guidelines (Richards et al. 2015 PMID: 25741868, with internal and published modifications).